The following is an entry in ClinVar:

ClinVar aggregate classification (germline): Uncertain significance. Review status: criteria provided, multiple submitters, no conflicts (2 of 4 stars). 2 submissions from 2 submitters: Uncertain significance (2). Last evaluated 2025-09-22.

Conditions:
Hereditary cancer-predisposing syndrome. Also called: Hereditary neoplastic syndrome; Neoplastic Syndromes, Hereditary; Tumor predisposition; Hereditary Cancer Syndrome. Identifiers: Orphanet 140162, MedGen C0027672, MeSH D009386, MONDO:0015356.
Oligodontia-cancer predisposition syndrome. Also called: TOOTH AGENESIS-COLORECTAL CANCER SYNDROME. Identifiers: Orphanet 300576, MedGen C1837750, MONDO:0012075, OMIM 608615. Disease mechanism: loss of function.

Submissions (2):

Labcorp Genetics (formerly Invitae), Labcorp
Classification: Uncertain significance for Oligodontia-cancer predisposition syndrome. Last evaluated: 2025-09-22. Review status: criteria provided, single submitter. Criteria: Invitae Variant Classification Sherloc (09022015). Collection method: clinical testing. Allele origin: germline.
Comment: This sequence change replaces proline, which is neutral and non-polar, with serine, which is neutral and polar, at codon 279 of the AXIN2 protein (p.Pro279Ser). This variant is not present in population databases (gnomAD no frequency). This variant has not been reported in the literature in individuals affected with AXIN2-related conditions. ClinVar contains an entry for this variant (Variation ID: 2050094). Invitae Evidence Modeling of protein sequence and biophysical properties (such as structural, functional, and spatial information, amino acid conservation, physicochemical variation, residue mobility, and thermodynamic stability) indicates that this missense variant is not expected to disrupt AXIN2 protein function with a negative predictive value of 80%. In summary, the available evidence is currently insufficient to determine the role of this variant in disease. Therefore, it has been classified as a Variant of Uncertain Significance.

Ambry Genetics
Classification: Uncertain significance for Hereditary cancer-predisposing syndrome. Last evaluated: 2023-04-29. Review status: criteria provided, single submitter. Criteria: Ambry Variant Classification Scheme 2023. Collection method: clinical testing. Allele origin: germline.
Comment: The p.P279S variant (also known as c.835C>T), located in coding exon 2 of the AXIN2 gene, results from a C to T substitution at nucleotide position 835. The proline at codon 279 is replaced by serine, an amino acid with similar properties. This amino acid position is conserved. In addition, this alteration is predicted to be tolerated by in silico analysis. Since supporting evidence is limited at this time, the clinical significance of this alteration remains unclear.

NM_004655.4(AXIN2):c.835C>T (p.Pro279Ser)

Gene: AXIN2 (axin 2; minus strand). Cytogenetic location: 17q24.1.
Variant type: single nucleotide variant.
Coding change: c.835C>T on transcript NM_004655.4 (MANE Select); coding-DNA position 835, C replaced by T.
Protein change: p.Pro279Ser; replaces proline 279 with serine.
Molecular consequence: missense variant.
Genome position (GRCh38, 1-based): chr17:65,549,641, G>A on the plus strand (C>T on the coding strand, the complement: AXIN2 is on the minus strand). VCF-style: chr17-65549641-G-A. GRCh37 (hg19) VCF-style: chr17-63545759-G-A.
Other names: c.835C>T, p.Pro279Ser (NM_001363813.1); short protein forms P279S.
Identifiers: ClinVar variation 2050094 (VCV002050094.6), dbSNP rs2144539895, ClinGen allele CA400679670.